The following is an entry in ClinVar:

NM_005026.5(PIK3CD):c.3046C>T (p.Arg1016Ter)

Gene: PIK3CD (phosphatidylinositol-4,5-bisphosphate 3-kinase catalytic subunit delta; plus strand). Cytogenetic location: 1p36.22.
Variant type: single nucleotide variant.
Coding change: c.3046C>T on transcript NM_005026.5 (MANE Select); coding-DNA position 3046, C replaced by T.
Protein change: p.Arg1016Ter; replaces arginine 1016 with a stop codon.
Molecular consequence: nonsense.
Genome position (GRCh38, 1-based): chr1:9,726,957, C>T. VCF-style: chr1-9726957-C-T. GRCh37 (hg19) VCF-style: chr1-9787015-C-T.
Other names: c.3043C>T, p.Arg1015Ter (NM_001350234.2); c.2959C>T, p.Arg987Ter (NM_001350235.1); short protein forms R1016*, R987*, R1015*.
Identifiers: ClinVar variation 871048 (VCV000871048.44), dbSNP rs1649753771, ClinGen allele CA338308809.

ClinVar aggregate classification (germline): Conflicting classifications of pathogenicity. Review status: criteria provided, conflicting classifications (1 of 4 stars). 2 submissions from 2 submitters: Pathogenic (1); Uncertain significance (1). Last evaluated 2022-12-03.

Conditions:
Immunodeficiency 14 (IMD14A). Also called: IMMUNODEFICIENCY 14A WITH LYMPHOPROLIFERATION, AUTOSOMAL DOMINANT; p110-DELTA-ACTIVATING MUTATION CAUSING SENESCENT T CELLS, LYMPHADENOPATHY, AND IMMUNODEFICIENCY; ACTIVATED PI3K-DELTA SYNDROME 1; Activated PI3K Delta Syndrome Type 1 (APDS1). Identifiers: Orphanet 397596, Orphanet 693661, MedGen C5907821, MONDO:0014222, OMIM 615513.

Allele frequency attached by ClinVar (database versions not stated): gnomAD exomes 0.00001.
gnomAD v4.1: 4 of 1,613,906 alleles (0.00025%); highest among the groups gnomAD compares: Non-Finnish European, 0.00034%; no homozygotes.

Submissions (2):

Labcorp Genetics (formerly Invitae), Labcorp
Classification: Uncertain significance for Activated PI3K-delta syndrome. Last evaluated: 2022-12-03. Review status: criteria provided, single submitter. Criteria: Invitae Variant Classification Sherloc (09022015). Collection method: clinical testing. Allele origin: germline.
Comment: ClinVar contains an entry for this variant (Variation ID: 871048). This variant has not been reported in the literature in individuals affected with PIK3CD-related conditions. This variant is not present in population databases (gnomAD no frequency). This sequence change creates a premature translational stop signal (p.Arg1016*) in the PIK3CD gene. While this is not anticipated to result in nonsense mediated decay, it is expected to disrupt the last 29 amino acid(s) of the PIK3CD protein. Experimental studies and prediction algorithms are not available or were not evaluated, and the functional significance of this variant is currently unknown. In summary, the available evidence is currently insufficient to determine the role of this variant in disease. Therefore, it has been classified as a Variant of Uncertain Significance.

CeGaT Center for Human Genetics Tuebingen
Classification: Pathogenic. Last evaluated: 2017-02-01. Review status: criteria provided, single submitter. Criteria: CeGaT Center For Human Genetics Tuebingen Variant Classification Criteria Version 2. Collection method: clinical testing. Allele origin: germline. Affected: yes. Observed: 1 variant allele.